The following is an entry in ClinVar:

ClinVar aggregate classification (germline): Likely benign. Review status: criteria provided, multiple submitters, no conflicts (2 of 4 stars). 4 submissions from 4 submitters: Likely benign (3). 1 of the submissions does not count toward it. Last evaluated 2025-11-24.

Conditions:
Ehlers-Danlos syndrome, classic type, 1 (EDSCL1). Also called: EHLERS-DANLOS SYNDROME, GRAVIS TYPE; EHLERS-DANLOS SYNDROME, SEVERE CLASSIC TYPE; Ehlers-Danlos Syndrome, Classic Type, COL5A1-Related; EDS I; Ehlers-Danlos syndrome, type 1. Identifiers: MedGen C0268335, MONDO:0019567, OMIM 130000.
COL5A1-related disorder. Also called: COL5A1-related condition.
Familial thoracic aortic aneurysm and aortic dissection (TAAD). Also called: Thoracic aortic aneurysms and dissections. Identifiers: Orphanet 91387, MedGen C4707243, MONDO:0019625.

Allele frequency attached by ClinVar (database versions not stated): gnomAD 0.00005 and 0.00007; ESP Exome Variant Server 0.00008; gnomAD exomes 0.00019; ExAC 0.00015; TOPMed 0.00020; 1000 Genomes Project 30x 0.00031; 1000 Genomes Project 0.00040.
gnomAD v4.1: 85 of 1,552,716 alleles (0.0055%); highest among the groups gnomAD compares: Admixed American, 0.085%; no homozygotes.

Submissions (5):

Labcorp Genetics (formerly Invitae), Labcorp
Classification: Likely benign for Ehlers-Danlos syndrome, classic type, 1. Last evaluated: 2025-11-24. Review status: criteria provided, single submitter. Criteria: Invitae Variant Classification Sherloc (09022015). Collection method: clinical testing. Allele origin: germline.

GeneDx
Classification: Likely benign. Last evaluated: 2020-10-06. Review status: criteria provided, single submitter. Criteria: GeneDx Variant Classification Process June 2021. Collection method: clinical testing. Allele origin: germline. Affected: yes.

Ambry Genetics
Classification: Likely benign for Familial thoracic aortic aneurysm and aortic dissection. Last evaluated: 2018-07-03. Review status: criteria provided, single submitter. Criteria: Ambry Variant Classification Scheme 2023. Collection method: clinical testing. Allele origin: germline.

PreventionGenetics, part of Exact Sciences
Classification: Likely benign for COL5A1-related condition. Last evaluated: 2022-05-25. Review status: no assertion criteria provided. Collection method: clinical testing. Allele origin: germline. Not counted in ClinVar's aggregate classification.
Comment: This variant is classified as likely benign based on ACMG/AMP sequence variant interpretation guidelines (Richards et al. 2015 PMID: 25741868, with internal and published modifications).

Dr. Peter K. Rogan Lab, Western University
No classification provided (evidence only). Condition: Pancreatic adenocarcinoma. Review status: no classification provided. Collection method: in vitro. Allele origin: not applicable. Functional consequence: retained intron. Not counted in ClinVar's aggregate classification.

NM_000093.5(COL5A1):c.2482C>T (p.Arg828Trp)

Gene: COL5A1 (collagen type V alpha 1 chain; plus strand). Cytogenetic location: 9q34.3.
Variant type: single nucleotide variant.
Coding change: c.2482C>T on transcript NM_000093.5 (MANE Select); coding-DNA position 2482, C replaced by T.
Protein change: p.Arg828Trp; replaces arginine 828 with tryptophan.
Molecular consequence: missense variant.
Genome position (GRCh38, 1-based): chr9:134,782,718, C>T. VCF-style: chr9-134782718-C-T. GRCh37 (hg19) VCF-style: chr9-137674564-C-T.
Other names: c.2482C>T, p.Arg828Trp (NM_001278074.1); short protein forms R828W.
Identifiers: ClinVar variation 415442 (VCV000415442.17), dbSNP rs185912761, ClinGen allele CA5319373.
Genomic context (GRCh38, chr9:134,782,718, plus strand): 5'-CATATTCAGGGTGAAGACGGCTTTCCTGGGTTTAAAGGAGACATGGGCATCAAGGGTGAT[C>T]GGGTGAGCATCTCAGGTTTGGGATTTGGGCTGGGGAAAGCTGGGTGGGCTTGGCCGTGTG-3'
Protein context (NP_000084.3, residues 818-838): FKGDMGIKGD[Arg828Trp]GEIGPPGPRG